The following is an entry in ClinVar:

NM_172240.3(POC1B):c.1355G>A (p.Arg452Gln)

Genes: POC1B (POC1 centriolar protein B; minus strand), POC1B-DUSP6 (POC1B-DUSP6 readthrough; minus strand). Cytogenetic location: 12q21.33.
Variant type: single nucleotide variant.
Coding change: c.1355G>A on transcript NM_172240.3 (MANE Select); coding-DNA position 1355, G replaced by A.
Protein change: p.Arg452Gln; replaces arginine 452 with glutamine.
Molecular consequence: missense variant. On other transcripts: non-coding transcript variant (2).
Genome position (GRCh38, 1-based): chr12:89,421,235, C>T on the plus strand (G>A on the coding strand, the complement: POC1B is on the minus strand). VCF-style: chr12-89421235-C-T. GRCh37 (hg19) VCF-style: chr12-89815012-C-T.
Other names: c.1229G>A, p.Arg410Gln (NM_001199777.2); short protein forms R410Q, R452Q.
Identifiers: ClinVar variation 1431932 (VCV001431932.7), dbSNP rs200082142, ClinGen allele CA6714184.

ClinVar aggregate classification (germline): Uncertain significance. Review status: criteria provided, multiple submitters, no conflicts (2 of 4 stars). 2 submissions from 2 submitters: Uncertain significance (2). Last evaluated 2021-10-11.

Allele frequency attached by ClinVar (database versions not stated): ExAC 0.00001; gnomAD 0.00001 and 0.00002; gnomAD exomes 0.00001 and 0.00003; TOPMed 0.00005.
gnomAD v4.1: 13 of 1,598,018 alleles (0.00081%); highest among the groups gnomAD compares: East Asian, 0.0067%; no homozygotes.

Submissions (2):

Labcorp Genetics (formerly Invitae), Labcorp
Classification: Uncertain significance. Last evaluated: 2021-10-11. Review status: criteria provided, single submitter. Criteria: Invitae Variant Classification Sherloc (09022015). Collection method: clinical testing. Allele origin: germline.
Comment: This sequence change replaces arginine with glutamine at codon 452 of the POC1B protein (p.Arg452Gln). The arginine residue is highly conserved and there is a small physicochemical difference between arginine and glutamine. This variant is present in population databases (rs200082142, ExAC 0.01%). This missense change has been observed in individual(s) with clinical features of POC1B-related conditions (PMID: 29220607). In at least one individual the data is consistent with the variant being in trans (on the opposite chromosome) from a pathogenic variant. Algorithms developed to predict the effect of missense changes on protein structure and function are either unavailable or do not agree on the potential impact of this missense change (SIFT: "Deleterious"; PolyPhen-2: "Possibly Damaging"; Align-GVGD: "Class C0"). In summary, the available evidence is currently insufficient to determine the role of this variant in disease. Therefore, it has been classified as a Variant of Uncertain Significance.

Blueprint Genetics
Classification: Uncertain significance. Last evaluated: 2018-06-28. Review status: criteria provided, single submitter. Criteria: ACMG Guidelines, 2015. Collection method: clinical testing. Allele origin: germline.

Literature cited by the submitters: PubMed 29220607 (cited by Labcorp Genetics (formerly Invitae), Labcorp).